The following is an entry in ClinVar:

ClinVar aggregate classification (germline): Uncertain significance. Review status: criteria provided, multiple submitters, no conflicts (2 of 4 stars). 2 submissions from 2 submitters: Uncertain significance (2). Last evaluated 2025-06-20.

Conditions:
Ichthyosis linearis circumflexa. Identifiers: MedGen C0265962, MONDO:0043106, HP:0025810.

Allele frequency attached by ClinVar (database versions not stated): gnomAD 0.00003 and 0.00004; TOPMed 0.00003.
gnomAD v4.1: 100 of 1,613,510 alleles (0.0062%); highest among the groups gnomAD compares: Non-Finnish European, 0.0081%; no homozygotes.

Submissions (2):

Labcorp Genetics (formerly Invitae), Labcorp
Classification: Uncertain significance for Ichthyosis linearis circumflexa. Last evaluated: 2025-06-20. Review status: criteria provided, single submitter. Criteria: Invitae Variant Classification Sherloc (09022015). Collection method: clinical testing. Allele origin: germline.
Comment: This sequence change replaces lysine, which is basic and polar, with asparagine, which is neutral and polar, at codon 629 of the SPINK5 protein (p.Lys629Asn). This variant also falls at the last nucleotide of exon 20, which is part of the consensus splice site for this exon. This variant is present in population databases (rs772652367, gnomAD 0.01%). This variant has not been reported in the literature in individuals affected with SPINK5-related conditions. ClinVar contains an entry for this variant (Variation ID: 568516). An algorithm developed to predict the effect of missense changes on protein structure and function (PolyPhen-2) suggests that this variant is likely to be disruptive. Variants that disrupt the consensus splice site are a relatively common cause of aberrant splicing (PMID: 17576681, 9536098). Algorithms developed to predict the effect of sequence changes on RNA splicing suggest that this variant may disrupt the consensus splice site. In summary, the available evidence is currently insufficient to determine the role of this variant in disease. Therefore, it has been classified as a Variant of Uncertain Significance.

Blueprint Genetics
Classification: Uncertain significance. Last evaluated: 2023-02-28. Review status: criteria provided, single submitter. Criteria: ACMG Guidelines, 2015. Collection method: clinical testing. Allele origin: germline.

Literature cited by the submitters: PubMed 17576681 (cited by Labcorp Genetics (formerly Invitae), Labcorp); PubMed 9536098 (cited by Labcorp Genetics (formerly Invitae), Labcorp).

NM_006846.4(SPINK5):c.1887G>C (p.Lys629Asn)

Gene: SPINK5 (serine peptidase inhibitor Kazal type 5; plus strand). Cytogenetic location: 5q32.
Variant type: single nucleotide variant.
Coding change: c.1887G>C on transcript NM_006846.4 (MANE Select); coding-DNA position 1887, G replaced by C.
Protein change: p.Lys629Asn; replaces lysine 629 with asparagine.
Molecular consequence: missense variant.
Genome position (GRCh38, 1-based): chr5:148,112,934, G>C. VCF-style: chr5-148112934-G-C. GRCh37 (hg19) VCF-style: chr5-147492497-G-C.
Other names: c.1887G>C, p.Lys629Asn (NM_001127698.2, NM_001127699.2); short protein forms K629N.
Identifiers: ClinVar variation 568516 (VCV000568516.6), dbSNP rs772652367, ClinGen allele CA3495768.